The following is an entry in ClinVar:

NM_000059.4(BRCA2):c.*50A>G

Gene: BRCA2 (BRCA2 DNA repair associated; plus strand). Cytogenetic location: 13q13.1.
Variant type: single nucleotide variant.
Coding change: c.*50A>G on transcript NM_000059.4 (MANE Select); 50 bases downstream of the stop codon, A replaced by G.
Molecular consequence: 3 prime UTR variant.
Genome position (GRCh38, 1-based): chr13:32,398,820, A>G. VCF-style: chr13-32398820-A-G. GRCh37 (hg19) VCF-style: chr13-32972957-A-G.
Identifiers: ClinVar variation 311663 (VCV000311663.6), dbSNP rs761312704, ClinGen allele CA6941496.

ClinVar aggregate classification (germline): Conflicting classifications of pathogenicity. Review status: criteria provided, conflicting classifications (1 of 4 stars). 3 submissions from 2 submitters: Uncertain significance (2); Benign (1). Last evaluated 2025-07-17.

Conditions:
Breast-ovarian cancer, familial, susceptibility to, 2 (BROVCA2). Also called: BRCA2 Hereditary Breast and Ovarian Cancer. Identifiers: Orphanet 145, MedGen C2675520, MONDO:0012933, OMIM 612555. Disease mechanism: loss of function.
Fanconi anemia complementation group D1. Also called: BRCA2-Related Fanconi Anemia. Identifiers: Orphanet 319462, MedGen C1838457, MONDO:0011584, OMIM 605724.

Allele frequency attached by ClinVar (database versions not stated): gnomAD exomes below 0.00001; TOPMed below 0.00001; ExAC 0.00001; gnomAD 0.00001.
gnomAD v4.1: 8 of 1,588,430 alleles (0.0005%); highest among the groups gnomAD compares: Non-Finnish European, 0.0006%; no homozygotes.

Submissions (3):

Dipartimento Di Medicina Di Precisione, Università Degli Studi Della Campania Luigi Vanvitelli
Classification: Benign for Breast-ovarian cancer, familial, susceptibility to, 2. Last evaluated: 2025-07-17. Review status: criteria provided, single submitter. Criteria: ACMG Guidelines, 2015. Collection method: clinical testing. Allele origin: germline. Affected: yes. Observed: 1 heterozygote.
Comment: The *BRCA2 c.50A>G variant is located in the 3' untranslated region (3' UTR) of exon 27, the last coding exon of the BRCA2 gene (transcript NM_000059.4). This region does not encode protein but may influence gene expression regulation at the post-transcriptional level. In silico analysis performed using BayesDel and REVEL classifies the variant as benign, suggesting that this substitution is unlikely to have a significant functional impact. Based on current evidence, the variant can be considered likely benign.

Illumina Laboratory Services, Illumina
Classification: Uncertain significance for Breast-ovarian cancer, familial, susceptibility to, 2. Last evaluated: 2018-01-13. Review status: criteria provided, single submitter. Criteria: ICSL Variant Classification Criteria 13 December 2019. Collection method: clinical testing. Allele origin: germline.

Illumina Laboratory Services, Illumina
Classification: Uncertain significance for Fanconi anemia complementation group D1. Last evaluated: 2018-01-13. Review status: criteria provided, single submitter. Criteria: ICSL Variant Classification Criteria 13 December 2019. Collection method: clinical testing. Allele origin: germline.

Literature cited by the submitters: DOI 10.3390/ijms26135928 (cited by Dipartimento Di Medicina Di Precisione, Università Degli Studi Della Campania Luigi Vanvitelli).